The following is an entry in ClinVar:

NM_020975.6(RET):c.647G>A (p.Cys216Tyr)

Gene: RET (ret proto-oncogene; plus strand). Cytogenetic location: 10q11.21.
Variant type: single nucleotide variant.
Coding change: c.647G>A on transcript NM_020975.6 (MANE Select); coding-DNA position 647, G replaced by A.
Protein change: p.Cys216Tyr; replaces cysteine 216 with tyrosine.
Molecular consequence: missense variant. On other transcripts: 5 prime UTR variant (1), intron variant (22).
Genome position (GRCh38, 1-based): chr10:43,104,973, G>A. VCF-style: chr10-43104973-G-A. GRCh37 (hg19) VCF-style: chr10-43600421-G-A.
Other names: c.647G>A, p.Cys216Tyr (NM_000323.2, NM_001406743.1, NM_001406744.1 and 8 more transcripts); c.-116G>A (NM_001355216.2); c.518G>A, p.Cys173Tyr (NM_001406761.1, NM_001406762.1, NM_001406764.1 and 2 more transcripts); c.359G>A, p.Cys120Tyr (NM_001406766.1, NM_001406767.1, NM_001406770.1); c.625+2344G>A (NM_001406773.1, NM_001406771.1, NM_001406782.1 and 5 more transcripts); c.496+2344G>A (NM_001406786.1, NM_001406783.1); c.338-4058G>A (NM_001406778.1, NM_001406775.1, NM_001406776.1 and 1 more transcripts); c.337+4251G>A (NM_001406790.1, NM_001406788.1, NM_001406789.1 and 1 more transcripts); and 2 more; short protein forms C120Y, C216Y, C173Y.
Identifiers: ClinVar variation 2973642 (VCV002973642.5), dbSNP rs2132703203, ClinGen allele CA376544347.

ClinVar aggregate classification (germline): Uncertain significance. Review status: criteria provided, multiple submitters, no conflicts (2 of 4 stars). 3 submissions from 3 submitters: Uncertain significance (3). Last evaluated 2025-10-07.

Conditions:
Multiple endocrine neoplasia, type 2 (MEN2). Identifiers: Orphanet 653, MedGen C4048306, MONDO:0019003. Disease mechanism: gain of function.
Hereditary cancer-predisposing syndrome. Also called: Neoplastic Syndromes, Hereditary; Hereditary neoplastic syndrome; Hereditary Cancer Syndrome; Tumor predisposition. Identifiers: Orphanet 140162, MedGen C0027672, MeSH D009386, MONDO:0015356.
Hirschsprung disease, susceptibility to, 1 (HSCR1). Also called: RET-Related Hirschsprung Disease. Identifiers: Orphanet 388, MedGen C3888239, MONDO:0007723, OMIM 142623.

Submissions (3):

Labcorp Genetics (formerly Invitae), Labcorp
Classification: Uncertain significance for Multiple endocrine neoplasia, type 2. Last evaluated: 2025-10-07. Review status: criteria provided, single submitter. Criteria: Invitae Variant Classification Sherloc (09022015). Collection method: clinical testing. Allele origin: germline.
Comment: This sequence change replaces cysteine, which is neutral and slightly polar, with tyrosine, which is neutral and polar, at codon 216 of the RET protein (p.Cys216Tyr). This variant is not present in population databases (gnomAD no frequency). This variant has not been reported in the literature in individuals affected with RET-related conditions. ClinVar contains an entry for this variant (Variation ID: 2973642). An algorithm developed to predict the effect of missense changes on protein structure and function (PolyPhen-2) suggests that this variant is likely to be tolerated. In summary, the available evidence is currently insufficient to determine the role of this variant in disease. Therefore, it has been classified as a Variant of Uncertain Significance.

Ambry Genetics
Classification: Uncertain significance for Hereditary cancer-predisposing syndrome. Last evaluated: 2025-02-09. Review status: criteria provided, single submitter. Criteria: Ambry Variant Classification Scheme 2023. Collection method: clinical testing. Allele origin: germline.
Comment: The p.C216Y variant (also known as c.647G>A), located in coding exon 4 of the RET gene, results from a G to A substitution at nucleotide position 647. The cysteine at codon 216 is replaced by tyrosine, an amino acid with highly dissimilar properties. This amino acid position is conserved. In addition, this alteration is predicted to be tolerated by in silico analysis. Based on the available evidence, the clinical significance of this variant remains unclear.

Baylor Genetics
Classification: Uncertain significance for Hirschsprung disease, susceptibility to, 1. Last evaluated: 2024-01-19. Review status: criteria provided, single submitter. Criteria: ACMG Guidelines, 2015. Collection method: clinical testing. Allele origin: unknown.